The following is an entry in ClinVar:

ClinVar aggregate classification (germline): Benign/Likely benign. Review status: criteria provided, multiple submitters, no conflicts (2 of 4 stars). 2 submissions from 2 submitters: Benign (1); Likely benign (1). Last evaluated 2024-09-05.

Conditions:
Familial cancer of breast. Also called: BREAST CANCER, FAMILIAL; Hereditary breast cancer; hereditary breast carcinoma. Identifiers: Orphanet 227535, MedGen C0346153, MONDO:0016419, OMIM 114480. Disease mechanism: loss of function.
Hereditary cancer-predisposing syndrome. Also called: Neoplastic Syndromes, Hereditary; Tumor predisposition; Hereditary neoplastic syndrome; Hereditary Cancer Syndrome. Identifiers: Orphanet 140162, MedGen C0027672, MeSH D009386, MONDO:0015356.

Submissions (2):

Myriad Genetics, Inc.
Classification: Benign for Familial cancer of breast. Last evaluated: 2024-09-05. Review status: criteria provided, single submitter. Criteria: Myriad Autosomal Dominant, Autosomal Recessive and X-Linked Classification Criteria (2023). Collection method: clinical testing. Allele origin: unknown.
Comment: This variant is considered benign. This variant is a silent/synonymous amino acid change and it is not expected to impact splicing.

Ambry Genetics
Classification: Likely benign for Hereditary cancer-predisposing syndrome. Last evaluated: 2022-12-25. Review status: criteria provided, single submitter. Criteria: Ambry Variant Classification Scheme 2023. Collection method: clinical testing. Allele origin: germline.

NM_032043.3(BRIP1):c.2431C>T (p.Leu811=)

Gene: BRIP1 (BRCA1 interacting DNA helicase 1; minus strand). Cytogenetic location: 17q23.2.
Variant type: single nucleotide variant.
Coding change: c.2431C>T on transcript NM_032043.3 (MANE Select); coding-DNA position 2431, C replaced by T.
Protein change: p.Leu811=; no amino-acid change (leucine 811 retained).
Molecular consequence: synonymous variant.
Genome position (GRCh38, 1-based): chr17:61,716,012, G>A on the plus strand (C>T on the coding strand, the complement: BRIP1 is on the minus strand). VCF-style: chr17-61716012-G-A. GRCh37 (hg19) VCF-style: chr17-59793373-G-A.
Identifiers: ClinVar variation 2449927 (VCV002449927.3), dbSNP rs2144381821, ClinGen allele CA501150521.